The following is an entry in ClinVar:

ClinVar aggregate classification (germline): Uncertain significance (1 of 4 stars; one submission).

Conditions:
Hyperphosphatasia with impaired intellectual development syndrome 2. Also called: Hyperphosphatasia with intellectual disability syndrome 2; GLYCOSYLPHOSPHATIDYLINOSITOL BIOSYNTHESIS DEFECT 6. Identifiers: Orphanet 247262, MedGen C3553637, MONDO:0013882, OMIM 614749.

Allele frequency attached by ClinVar (database versions not stated): gnomAD exomes below 0.00001.

Submission:

Labcorp Genetics (formerly Invitae), Labcorp
Classification: Uncertain significance for Hyperphosphatasia with impaired intellectual development syndrome 2. Last evaluated: 2021-01-08. Review status: criteria provided, single submitter. Criteria: Invitae Variant Classification Sherloc (09022015). Collection method: clinical testing. Allele origin: germline.
Comment: This sequence change replaces glycine with serine at codon 927 of the PIGO protein (p.Gly927Ser). The glycine residue is moderately conserved and there is a small physicochemical difference between glycine and serine. This variant is not present in population databases (ExAC no frequency). This variant has not been reported in the literature in individuals with PIGO-related conditions. Algorithms developed to predict the effect of missense changes on protein structure and function output the following: SIFT: "Tolerated"; PolyPhen-2: "Benign"; Align-GVGD: "Class C0". The serine amino acid residue is found in multiple mammalian species, suggesting that this missense change does not adversely affect protein function. These predictions have not been confirmed by published functional studies and their clinical significance is uncertain. In summary, the available evidence is currently insufficient to determine the role of this variant in disease. Therefore, it has been classified as a Variant of Uncertain Significance.

NM_032634.4(PIGO):c.2779G>A (p.Gly927Ser)

Gene: PIGO (phosphatidylinositol glycan anchor biosynthesis class O; minus strand). Cytogenetic location: 9p13.3.
Variant type: single nucleotide variant.
Coding change: c.2779G>A on transcript NM_032634.4 (MANE Select); coding-DNA position 2779, G replaced by A.
Protein change: p.Gly927Ser; replaces glycine 927 with serine.
Molecular consequence: missense variant.
Genome position (GRCh38, 1-based): chr9:35,090,541, C>T on the plus strand (G>A on the coding strand, the complement: PIGO is on the minus strand). VCF-style: chr9-35090541-C-T. GRCh37 (hg19) VCF-style: chr9-35090538-C-T.
Other names: c.1528G>A, p.Gly510Ser (NM_001201484.2, NM_152850.4); short protein forms G927S, G510S.
Identifiers: ClinVar variation 1349691 (VCV001349691.8), dbSNP rs1444732315, ClinGen allele CA373318195.